The following is an entry in ClinVar:

NM_001042492.3(NF1):c.1229T>G (p.Leu410Arg)

Gene: NF1 (neurofibromin 1; plus strand). Cytogenetic location: 17q11.2.
Variant type: single nucleotide variant.
Coding change: c.1229T>G on transcript NM_001042492.3 (MANE Select); coding-DNA position 1229, T replaced by G.
Protein change: p.Leu410Arg; replaces leucine 410 with arginine.
Molecular consequence: missense variant.
Genome position (GRCh38, 1-based): chr17:31,201,454, T>G. VCF-style: chr17-31201454-T-G. GRCh37 (hg19) VCF-style: chr17-29528472-T-G.
Other names: c.1229T>G, p.Leu410Arg (NM_000267.4, NM_001128147.3); short protein forms L410R.
Identifiers: ClinVar variation 571545 (VCV000571545.6), dbSNP rs1376759287, ClinGen allele CA398997634.

ClinVar aggregate classification (germline): Conflicting classifications of pathogenicity. Review status: criteria provided, conflicting classifications (1 of 4 stars). 2 submissions from 2 submitters: Likely pathogenic (1); Uncertain significance (1). Last evaluated 2024-12-23.

Conditions:
Neurofibromatosis, type 1 (NF1). Also called: Peripheral type neurofibromatosis; VON RECKLINGHAUSEN DISEASE; Neurofibromatosis, type I; NEUROFIBROMATOSIS, TYPE I, SOMATIC. Identifiers: Orphanet 636, MedGen C0027831, MONDO:0018975, OMIM 162200. Disease mechanism: loss of function.

Submissions (2):

GeneDx
Classification: Likely pathogenic. Last evaluated: 2024-12-23. Review status: criteria provided, single submitter. Criteria: GeneDx Variant Classification Process June 2021. Collection method: clinical testing. Allele origin: germline. Affected: yes.
Comment: Not observed at significant frequency in large population cohorts (gnomAD); In silico analysis supports that this missense variant has a deleterious effect on protein structure/function; This variant is associated with the following publications: (PMID: 23656349)

Labcorp Genetics (formerly Invitae), Labcorp
Classification: Uncertain significance for Neurofibromatosis, type 1. Last evaluated: 2018-03-28. Review status: criteria provided, single submitter. Criteria: Invitae Variant Classification Sherloc (09022015). Collection method: clinical testing. Allele origin: germline.
Comment: In summary, the available evidence is currently insufficient to determine the role of this variant in disease. Therefore, it has been classified as a Variant of Uncertain Significance. Algorithms developed to predict the effect of missense changes on protein structure and function do not agree on the potential impact of this missense change (SIFT: "Deleterious"; PolyPhen-2: "Probably Damaging"; Align-GVGD: "Class C0"). This variant has been reported in individuals in the Leiden Open-source Variation Database (PMID: 21520333). This variant is not present in population databases (ExAC no frequency). This sequence change replaces leucine with arginine at codon 410 of the NF1 protein (p.Leu410Arg). The leucine residue is highly conserved and there is a moderate physicochemical difference between leucine and arginine.

Literature cited by the submitters: PubMed 21520333 (cited by Labcorp Genetics (formerly Invitae), Labcorp).